The following is an entry in ClinVar:

NM_002637.4(PHKA1):c.1959T>C (p.His653=)

Gene: PHKA1 (phosphorylase kinase regulatory subunit alpha 1; minus strand). Cytogenetic location: Xq13.1.
Variant type: single nucleotide variant.
Coding change: c.1959T>C on transcript NM_002637.4 (MANE Select); coding-DNA position 1959, T replaced by C.
Protein change: p.His653=; no amino-acid change (histidine 653 retained).
Molecular consequence: synonymous variant.
Genome position (GRCh38, 1-based): chrX:72,623,110, A>G on the plus strand (T>C on the coding strand, the complement: PHKA1 is on the minus strand). VCF-style: chrX-72623110-A-G. GRCh37 (hg19) VCF-style: chrX-71842960-A-G.
Other names: c.1959T>C, p.His653= (NM_001122670.2, NM_001172436.2, NM_001431068.1 and 2 more transcripts).
Identifiers: ClinVar variation 5040101 (VCV005040101.1).

ClinVar aggregate classification (germline): Likely benign (1 of 4 stars; one submission).

gnomAD v4.1: 3 of 1,211,177 alleles (0.00025%); highest among the groups gnomAD compares: Non-Finnish European, 0.00034%; no homozygotes.

Submission:

CeGaT Center for Human Genetics Tuebingen
Classification: Likely benign. Last evaluated: 2026-07-01. Review status: criteria provided, single submitter. Criteria: CeGaT Center For Human Genetics Tuebingen Variant Classification Criteria Version 2. Collection method: clinical testing. Allele origin: germline. Affected: yes. Observed: 1 variant allele.
Comment: PHKA1: BP4, BP7